The following is an entry in ClinVar:

NM_021228.3(SCAF1):c.3303C>T (p.Ser1101=)

Gene: SCAF1 (SR-related CTD associated factor 1; plus strand). Cytogenetic location: 19q13.33.
Variant type: single nucleotide variant.
Coding change: c.3303C>T on transcript NM_021228.3 (MANE Select); coding-DNA position 3303, C replaced by T.
Protein change: p.Ser1101=; no amino-acid change (serine 1101 retained).
Molecular consequence: synonymous variant.
Genome position (GRCh38, 1-based): chr19:49,653,692, C>T. VCF-style: chr19-49653692-C-T. GRCh37 (hg19) VCF-style: chr19-50156949-C-T.
Identifiers: ClinVar variation 2650280 (VCV002650280.24), dbSNP rs371586288, ClinGen allele CA9579966.

ClinVar aggregate classification (germline): Likely benign (1 of 4 stars; one submission).

Allele frequency attached by ClinVar (database versions not stated): ESP Exome Variant Server 0.00047; 1000 Genomes Project 0.00020; TOPMed 0.00028; gnomAD 0.00029; ExAC 0.00032; 1000 Genomes Project 30x 0.00047.
gnomAD v4.1: 715 of 1,570,502 alleles (0.046%); highest among the groups gnomAD compares: Non-Finnish European, 0.056%; no homozygotes.

Submission:

CeGaT Center for Human Genetics Tuebingen
Classification: Likely benign. Last evaluated: 2023-04-01. Review status: criteria provided, single submitter. Criteria: CeGaT Center For Human Genetics Tuebingen Variant Classification Criteria Version 2. Collection method: clinical testing. Allele origin: germline. Affected: yes. Observed: 1 variant allele.
Comment: SCAF1: BP4, BP7